The following is an entry in ClinVar:

NM_016333.4(SRRM2):c.4255AGT[1] (p.Ser1421del)

Gene: SRRM2 (serine/arginine repetitive matrix 2; plus strand). Cytogenetic location: 16p13.3.
Variant type: Microsatellite.
Coding change: c.4255AGT[1] on transcript NM_016333.4 (MANE Select); one copy of the 3-base unit AGT starting at c.4255; the reference has two copies in a row; one copy, 3 bases deleted.
Protein change: p.Ser1421del; deletes serine 1421.
Molecular consequence: inframe deletion.
Genome position (GRCh38, 1-based): chr16:2,764,786-2,764,788, AGT deleted; deleting any 3 consecutive bases within chr16:2,764,783-2,764,788 gives the same sequence; the position shown is the placement nearest the transcript's 3' end. VCF-style (leftmost placement, unchanged base first): chr16-2764782-AAGT-A. GRCh37 (hg19) VCF-style: chr16-2814783-AAGT-A.
Other names: short protein forms S1421del.
Identifiers: ClinVar variation 4874500 (VCV004874500.2).

ClinVar aggregate classification (germline): Uncertain significance (1 of 4 stars; one submission).

Submission:

CeGaT Center for Human Genetics Tuebingen
Classification: Uncertain significance. Last evaluated: 2026-04-01. Review status: criteria provided, single submitter. Criteria: CeGaT Center For Human Genetics Tuebingen Variant Classification Criteria Version 2. Collection method: clinical testing. Allele origin: germline. Affected: yes. Observed: 1 variant allele.
Comment: SRRM2: PM2, PM4:Supporting